The following is an entry in ClinVar:

ClinVar aggregate classification (germline): Uncertain significance. Review status: criteria provided, single submitter (1 of 4 stars). 2 submissions from 2 submitters: Uncertain significance (1). 1 of the submissions does not count toward it. Last evaluated 2021-10-14.

Conditions:
Autosomal dominant Parkinson disease 8. Also called: Parkinson disease 8, susceptibility to; LRRK2-Related Parkinson Disease; Parkinson disease 8. Identifiers: Orphanet 411602, MedGen C1846862, MONDO:0011764, OMIM 607060.

Allele frequency attached by ClinVar (database versions not stated): ExAC 0.00001; gnomAD 0.00001; gnomAD exomes 0.00001.
gnomAD v4.1: 14 of 1,612,214 alleles (0.00087%); highest among the groups gnomAD compares: East Asian, 0.0022%; no homozygotes.

Submissions (2):

Labcorp Genetics (formerly Invitae), Labcorp
Classification: Uncertain significance for Autosomal dominant Parkinson disease 8. Last evaluated: 2021-10-14. Review status: criteria provided, single submitter. Criteria: Invitae Variant Classification Sherloc (09022015). Collection method: clinical testing. Allele origin: germline.
Comment: This sequence change replaces arginine with glutamine at codon 1483 of the LRRK2 protein (p.Arg1483Gln). The arginine residue is weakly conserved and there is a small physicochemical difference between arginine and glutamine. This variant is present in population databases (rs113431708, ExAC 0.001%). In summary, the available evidence is currently insufficient to determine the role of this variant in disease. Therefore, it has been classified as a Variant of Uncertain Significance. Algorithms developed to predict the effect of missense changes on protein structure and function (SIFT, PolyPhen-2, Align-GVGD) all suggest that this variant is likely to be tolerated. ClinVar contains an entry for this variant (Variation ID: 39190). This missense change has been observed in individual(s) with Parkinson disease (PMID: 18197194).

GeneReviews
No classification provided. Condition: Autosomal dominant Parkinson disease 8. Review status: no classification provided. Collection method: literature only. Allele origin: unknown. Not counted in ClinVar's aggregate classification.

Literature cited by the submitters: PubMed 18197194 (cited by Labcorp Genetics (formerly Invitae), Labcorp); PubMed 20301387 (cited by GeneReviews); NCBI Bookshelf NBK1208 (cited by GeneReviews).

NM_198578.4(LRRK2):c.4448G>A (p.Arg1483Gln)

Gene: LRRK2 (leucine rich repeat kinase 2; plus strand). Cytogenetic location: 12q12.
Variant type: single nucleotide variant.
Coding change: c.4448G>A on transcript NM_198578.4 (MANE Select); coding-DNA position 4448, G replaced by A.
Protein change: p.Arg1483Gln; replaces arginine 1483 with glutamine.
Molecular consequence: missense variant.
Genome position (GRCh38, 1-based): chr12:40,310,561, G>A. VCF-style: chr12-40310561-G-A. GRCh37 (hg19) VCF-style: chr12-40704363-G-A.
Other names: short protein forms R1483Q.
Identifiers: ClinVar variation 39190 (VCV000039190.8), dbSNP rs113431708, ClinGen allele CA343590.
Genomic context (GRCh38, chr12:40,310,561, plus strand): 5'-AAGCCTGCATGAGTAAAATCACCAAGGAACTCCTGAATAAGCGAGGGTTCCCTGCCATAC[G>A]AGATTACCACTTTGTGAATGCCACCGAGGAATCTGATGCTTTGGCAAAACTTCGGAAAAC-3'
Protein context (NP_940980.4, residues 1473-1493): LLNKRGFPAI[Arg1483Gln]DYHFVNATEE